The following is an entry in ClinVar:

NM_000719.7(CACNA1C):c.5445-496G>A

Genes: CACNA1C (calcium voltage-gated channel subunit alpha1 C; plus strand), CACNA1C-AS1 (CACNA1C antisense RNA 1; minus strand). Cytogenetic location: 12p13.33.
Variant type: single nucleotide variant.
Coding change: c.5445-496G>A on transcript NM_000719.7 (MANE Select); 496 bases into the intron before coding-DNA position 5445, G replaced by A.
Molecular consequence: intron variant. On other transcripts: missense variant (3).
Genome position (GRCh38, 1-based): chr12:2,682,054, G>A. VCF-style: chr12-2682054-G-A. GRCh37 (hg19) VCF-style: chr12-2791220-G-A.
Other names: c.5549G>A, p.Arg1850Lys (NM_001129830.3, NM_001167624.3); c.5693G>A, p.Arg1898Lys (NM_199460.4); c.5445-496G>A (NM_001167623.2, NM_001129840.2, NM_001129842.2 and 2 more transcripts); c.5625-496G>A (NM_001167625.2); c.5589-496G>A (NM_001129827.2); c.5505-496G>A (NM_001129832.2); c.5529-496G>A (NM_001129831.2); c.5502-496G>A (NM_001129833.2, NM_001129834.2, NM_001129835.2); and 6 more; short protein forms R1850K, R1898K.
Identifiers: ClinVar variation 1334091 (VCV001334091.2), dbSNP rs2153815776, ClinGen allele CA383380553.

ClinVar aggregate classification (germline): Uncertain significance. Review status: criteria provided, multiple submitters, no conflicts (2 of 4 stars). 2 submissions from 2 submitters: Uncertain significance (2). Last evaluated 2024-11-22.

Conditions:
Timothy syndrome (TS). Also called: LONG QT SYNDROME WITH SYNDACTYLY. Identifiers: Orphanet 65283, MedGen C1832916, MeSH C536962, MONDO:0010979, OMIM 601005.

Submissions (2):

GeneDx
Classification: Uncertain significance. Last evaluated: 2024-11-22. Review status: criteria provided, single submitter. Criteria: GeneDx Variant Classification Process June 2021. Collection method: clinical testing. Allele origin: germline. Affected: yes.
Comment: Not observed at significant frequency in large population cohorts (gnomAD); In silico analysis supports a deleterious effect on splicing; In silico analysis indicates that this missense variant does not alter protein structure/function; Has not been previously published as pathogenic or benign to our knowledge; Reported using an alternate transcript of the gene

CENTOGENE GmbH and LLC - Guiding Precision Medicine
Classification: Uncertain significance for Timothy syndrome. Last evaluated: 2018-05-25. Review status: criteria provided, single submitter. Criteria: ACMG Guidelines, 2015. Collection method: clinical testing. Allele origin: germline. Affected: yes.